The following is an entry in ClinVar:

NM_001080467.3(MYO5B):c.705C>T (p.Ile235=)

Gene: MYO5B (myosin VB; minus strand). Cytogenetic location: 18q21.1.
Variant type: single nucleotide variant.
Coding change: c.705C>T on transcript NM_001080467.3 (MANE Select); coding-DNA position 705, C replaced by T.
Protein change: p.Ile235=; no amino-acid change (isoleucine 235 retained).
Molecular consequence: synonymous variant.
Genome position (GRCh38, 1-based): chr18:49,992,339, G>A on the plus strand (C>T on the coding strand, the complement: MYO5B is on the minus strand). VCF-style: chr18-49992339-G-A. GRCh37 (hg19) VCF-style: chr18-47518709-G-A.
Other names: c.705C>T (NM_001080467.2).
Identifiers: ClinVar variation 1625944 (VCV001625944.10), dbSNP rs151001572, ClinGen allele CA8961813.

ClinVar aggregate classification (germline): Likely benign. Review status: criteria provided, single submitter (1 of 4 stars). 2 submissions from 2 submitters: Likely benign (1). 1 of the submissions does not count toward it. Last evaluated 2025-05-05.

Conditions:
MYO5B-related disorder. Also called: MYO5B-related condition.

Allele frequency attached by ClinVar (database versions not stated): TOPMed 0.00001; ExAC 0.00002; 1000 Genomes Project 30x 0.00016; 1000 Genomes Project 0.00020.
gnomAD v4.1: 29 of 1,614,168 alleles (0.0018%); highest among the groups gnomAD compares: Admixed American, 0.005%; no homozygotes.

Submissions (2):

Labcorp Genetics (formerly Invitae), Labcorp
Classification: Likely benign. Last evaluated: 2025-05-05. Review status: criteria provided, single submitter. Criteria: Invitae Variant Classification Sherloc (09022015). Collection method: clinical testing. Allele origin: germline.

PreventionGenetics, part of Exact Sciences
Classification: Likely benign for MYO5B-related condition. Last evaluated: 2023-08-03. Review status: no assertion criteria provided. Collection method: clinical testing. Allele origin: germline. Not counted in ClinVar's aggregate classification.
Comment: This variant is classified as likely benign based on ACMG/AMP sequence variant interpretation guidelines (Richards et al. 2015 PMID: 25741868, with internal and published modifications).